The following is an entry in ClinVar:

NM_000222.3(KIT):c.2160G>T (p.Glu720Asp)

Gene: KIT (KIT proto-oncogene, receptor tyrosine kinase; plus strand). Cytogenetic location: 4q12.
Variant type: single nucleotide variant.
Coding change: c.2160G>T on transcript NM_000222.3 (MANE Select); coding-DNA position 2160, G replaced by T.
Protein change: p.Glu720Asp; replaces glutamic acid 720 with aspartic acid.
Molecular consequence: missense variant.
Genome position (GRCh38, 1-based): chr4:54,731,346, G>T. VCF-style: chr4-54731346-G-T. GRCh37 (hg19) VCF-style: chr4-55597512-G-T.
Other names: c.2148G>T, p.Glu716Asp (NM_001093772.2, NM_001385292.1); c.2163G>T, p.Glu721Asp (NM_001385284.1); c.2157G>T, p.Glu719Asp (NM_001385285.1); c.2145G>T, p.Glu715Asp (NM_001385286.1); c.2151G>T, p.Glu717Asp (NM_001385288.1); c.2160G>T, p.Glu720Asp (NM_001385290.1); short protein forms E715D, E716D, E717D, E719D, E720D, E721D.
Identifiers: ClinVar variation 1060034 (VCV001060034.9), dbSNP rs372359131, ClinGen allele CA356910145.
Genomic context (GRCh38, chr4:54,731,346, plus strand): 5'-TGTCCCACTTGATTCAGTCATGACTTGTTTCATCTCTCCCAGCAGCGATAGTACTAATGA[G>T]TACATGGACATGAAACCTGGAGTTTCTTATGTTGTCCCAACCAAGGCCGACAAAAGGAGA-3'
Protein context (NP_000213.1, residues 710-730): KESSCSDSTN[Glu720Asp]YMDMKPGVSY

ClinVar aggregate classification (germline): Uncertain significance (1 of 4 stars; one submission).

Conditions:
Gastrointestinal stromal tumor. Also called: Gastrointestinal stromal tumor, somatic; Gastrointestinal stroma tumor. Identifiers: Orphanet 44890, MedGen C0238198, MeSH D046152, MONDO:0011719, OMIM 606764, HP:0100723.

Submission:

Labcorp Genetics (formerly Invitae), Labcorp
Classification: Uncertain significance for Gastrointestinal stromal tumor. Last evaluated: 2020-10-12. Review status: criteria provided, single submitter. Criteria: Invitae Variant Classification Sherloc (09022015). Collection method: clinical testing. Allele origin: germline.
Comment: This variant is not present in population databases (ExAC no frequency). This variant has not been reported in the literature in individuals with KIT-related conditions. Algorithms developed to predict the effect of missense changes on protein structure and function are either unavailable or do not agree on the potential impact of this missense change (SIFT: "Tolerated"; PolyPhen-2: "Probably Damaging"; Align-GVGD: "Class C0"). In summary, the available evidence is currently insufficient to determine the role of this variant in disease. Therefore, it has been classified as a Variant of Uncertain Significance. This sequence change replaces glutamic acid with aspartic acid at codon 720 of the KIT protein (p.Glu720Asp). The glutamic acid residue is highly conserved and there is a small physicochemical difference between glutamic acid and aspartic acid.